The following is an entry in ClinVar:

NM_001369268.1(ACAN):c.4328C>G (p.Pro1443Arg)

Gene: ACAN (aggrecan; plus strand). Cytogenetic location: 15q26.1.
Variant type: single nucleotide variant.
Coding change: c.4328C>G on transcript NM_001369268.1 (MANE Select); coding-DNA position 4328, C replaced by G.
Protein change: p.Pro1443Arg; replaces proline 1443 with arginine.
Molecular consequence: missense variant.
Genome position (GRCh38, 1-based): chr15:88,856,913, C>G. VCF-style: chr15-88856913-C-G. GRCh37 (hg19) VCF-style: chr15-89400144-C-G.
Other names: c.4328C>G, p.Pro1443Arg (NM_001135.4, NM_001411096.1, NM_001411097.1 and 1 more transcripts); short protein forms P1443R.
Identifiers: ClinVar variation 2431583 (VCV002431583.1), dbSNP rs2505317075, ClinGen allele CA393721618.

ClinVar aggregate classification (germline): Uncertain significance (1 of 4 stars; one submission).

Conditions:
Short stature and advanced bone age, with or without early-onset osteoarthritis and/or osteochondritis dissecans (SSOAOD). Identifiers: Orphanet 251262, MedGen C3665488, MONDO:0100462, OMIM 165800.

Submission:

Laboratorio de Genetica e Diagnostico Molecular, Hospital Israelita Albert Einstein
Classification: Uncertain significance for Short stature and advanced bone age, with or without early-onset osteoarthritis and/or osteochondritis dissecans. Last evaluated: 2022-09-30. Review status: criteria provided, single submitter. Criteria: ACMG Guidelines, 2015. Collection method: clinical testing. Allele origin: germline. Affected: yes. Observed: 1 variant allele.
Comment: ACMG classification criteria: PM2 moderated, BP4 supporting